The following is an entry in ClinVar:

NM_018406.7(MUC4):c.1038G>A (p.Pro346=)

Gene: MUC4 (mucin 4, cell surface associated). Cytogenetic location: 3q29.
Variant type: single nucleotide variant.
Coding change: c.1038G>A on transcript NM_018406.7 (MANE Select); coding-DNA position 1038, G replaced by A.
Protein change: p.Pro346=; no amino-acid change (proline 346 retained).
Molecular consequence: synonymous variant. On other transcripts: intron variant (2).
Genome position (GRCh38, 1-based): chr3:195,790,542, C>T on the plus strand (G>A on the coding strand, the complement: MUC4 is on the minus strand). VCF-style: chr3-195790542-C-T. GRCh37 (hg19) VCF-style: chr3-195517413-C-T.
Other names: c.83-16237G>A (NM_138297.5); c.83-12087G>A (NM_004532.6).
Identifiers: ClinVar variation 4534093 (VCV004534093.6).

ClinVar aggregate classification (germline): Likely benign (1 of 4 stars; one submission).

gnomAD v4.1: 29 of 1,613,744 alleles (0.0018%); highest among the groups gnomAD compares: Middle Eastern, 0.016%; no homozygotes.

Submission:

CeGaT Center for Human Genetics Tuebingen
Classification: Likely benign. Last evaluated: 2025-11-01. Review status: criteria provided, single submitter. Criteria: CeGaT Center For Human Genetics Tuebingen Variant Classification Criteria Version 2. Collection method: clinical testing. Allele origin: germline. Affected: yes. Observed: 1 variant allele.
Comment: MUC4: BP4, BP7